The following is an entry in ClinVar:

ClinVar aggregate classification (germline): Likely benign. Review status: criteria provided, multiple submitters, no conflicts (2 of 4 stars). 3 submissions from 3 submitters: Likely benign (3). Last evaluated 2026-07-01.

Conditions:
Charcot-Marie-Tooth disease type 4. Also called: Charcot-Marie-Tooth disease, type IV; Charcot-Marie-Tooth, Type 4. Identifiers: Orphanet 64749, MedGen C4082197, MONDO:0018995.
Charcot-Marie-Tooth disease. Also called: Charcot-Marie-Tooth Hereditary Neuropathy; Charcot-Marie-Tooth Neuropathy. Identifiers: Orphanet 166, MedGen C0007959, MONDO:0015626.

Allele frequency attached by ClinVar (database versions not stated): gnomAD exomes 0.00004 and 0.00007; TOPMed 0.00005; ExAC 0.00006; gnomAD 0.00007 and 0.00008; ESP Exome Variant Server 0.00008.
gnomAD v4.1: 64 of 1,612,666 alleles (0.004%); highest among the groups gnomAD compares: East Asian, 0.029%; no homozygotes.

Submissions (3):

CeGaT Center for Human Genetics Tuebingen
Classification: Likely benign. Last evaluated: 2026-07-01. Review status: criteria provided, single submitter. Criteria: CeGaT Center For Human Genetics Tuebingen Variant Classification Criteria Version 2. Collection method: clinical testing. Allele origin: germline. Affected: yes. Observed: 3 variant alleles.
Comment: FIG4: BP4, BP7

Labcorp Genetics (formerly Invitae), Labcorp
Classification: Likely benign for Charcot-Marie-Tooth disease type 4. Last evaluated: 2025-06-03. Review status: criteria provided, single submitter. Criteria: Invitae Variant Classification Sherloc (09022015). Collection method: clinical testing. Allele origin: germline.

Molecular Genetics Laboratory, London Health Sciences Centre
Classification: Likely benign for Charcot-Marie-Tooth disease. Review status: criteria provided, single submitter. Criteria: ACMG Guidelines, 2015. Collection method: clinical testing. Allele origin: germline. Affected: yes.

NM_014845.6(FIG4):c.918C>T (p.Cys306=)

Gene: FIG4 (FIG4 phosphoinositide 5-phosphatase; plus strand). Cytogenetic location: 6q21.
Variant type: single nucleotide variant.
Coding change: c.918C>T on transcript NM_014845.6 (MANE Select); coding-DNA position 918, C replaced by T.
Protein change: p.Cys306=; no amino-acid change (cysteine 306 retained).
Molecular consequence: synonymous variant.
Genome position (GRCh38, 1-based): chr6:109,743,151, C>T. VCF-style: chr6-109743151-C-T. GRCh37 (hg19) VCF-style: chr6-110064354-C-T.
Identifiers: ClinVar variation 543511 (VCV000543511.48), dbSNP rs369159531, ClinGen allele CA3955944.
Genomic context (GRCh38, chr6:109,743,151, plus strand): 5'-AATGCACCTTTCTTTTCAGGGTGATGTTGCAAATGAAGTGGAGACTGAACAAATACTCTG[C>T]GATGCTTCTGTGATGTCTTTCACTGCAGGAAGTTATTCTTCATATGTACAAGTTAGAGGA-3'
Protein context (NP_055660.1, residues 296-316): ANEVETEQIL[Cys306=]DASVMSFTAG